The following is an entry in ClinVar:

NM_003159.3(CDKL5):c.2793del (p.Gln931fs)

Genes: CDKL5 (cyclin dependent kinase like 5; plus strand), RS1 (retinoschisin 1; minus strand). Cytogenetic location: Xp22.13.
Variant type: Deletion.
Coding change: c.2793del on transcript NM_003159.3; coding-DNA position 2793, one base deleted (A; older notation c.2793delA).
Protein change: p.Gln931fs; shifts the reading frame from glutamine 931.
Molecular consequence: frameshift variant. On other transcripts: intron variant (1).
Genome position (GRCh38, 1-based): chrX:18,646,086, A deleted; the last of 2 consecutive A bases (chrX:18,646,085-18,646,086); deleting either gives the same sequence. VCF-style (leftmost placement, unchanged base first): chrX-18646084-CA-C. GRCh37 (hg19) VCF-style: chrX-18664204-CA-C.
Other names: c.2793del, p.Gln931fs (NM_001037343.2); c.326+1106del (NM_000330.4); short protein forms Q931fs.
Identifiers: ClinVar variation 944491 (VCV000944491.12), dbSNP rs1927760301, ClinGen allele CA1139667263.

ClinVar aggregate classification (germline): Uncertain significance (1 of 4 stars; one submission).

Conditions:
Developmental and epileptic encephalopathy, 2 (DEE2). Also called: INFANTILE SPASM SYNDROME, X-LINKED 2; CDKL5 deficiency disorder. Identifiers: Orphanet 1934, Orphanet 3451, Orphanet 505652, MedGen C4750718, MONDO:0010396, OMIM 300672.
Angelman syndrome-like. Identifiers: MedGen CN128785.

Submission:

Labcorp Genetics (formerly Invitae), Labcorp
Classification: Uncertain significance for Developmental and epileptic encephalopathy, 2; Angelman syndrome-like. Last evaluated: 2019-07-31. Review status: criteria provided, single submitter. Criteria: Invitae Variant Classification Sherloc (09022015). Collection method: clinical testing. Allele origin: germline.
Comment: This sequence change results in a premature translational stop signal in the CDKL5 gene (p.Gln931Hisfs*69). While this is not anticipated to result in nonsense mediated decay, it is expected to disrupt the last 100 amino acids of the CDKL5 protein. This variant is not present in population databases (ExAC no frequency). This variant has not been reported in the literature in individuals with CDKL5-related conditions. Experimental studies and prediction algorithms are not available or were not evaluated for this variant, and the functional significance of the affected amino acid(s) is currently unknown. In summary, the available evidence is currently insufficient to determine the role of this variant in disease. Therefore, it has been classified as a Variant of Uncertain Significance.